The following is an entry in ClinVar:

NM_000352.6(ABCC8):c.3650+1G>T

Gene: ABCC8 (ATP binding cassette subfamily C member 8; minus strand). Cytogenetic location: 11p15.1.
Variant type: single nucleotide variant.
Coding change: c.3650+1G>T on transcript NM_000352.6 (MANE Select); the canonical splice donor site of the intron after coding-DNA position 3650, G replaced by T.
Molecular consequence: splice donor variant.
Genome position (GRCh38, 1-based): chr11:17,402,660, C>A on the plus strand (G>T on the coding strand, the complement: ABCC8 is on the minus strand). VCF-style: chr11-17402660-C-A. GRCh37 (hg19) VCF-style: chr11-17424207-C-A.
Other names: c.3653+1G>T (NM_001287174.3); c.3647+1G>T (NM_001351297.2); c.3650+1G>T (NM_001351296.2); c.3716+1G>T (NM_001351295.2).
Identifiers: ClinVar variation 2713859 (VCV002713859.3), dbSNP rs2496501378, ClinGen allele CA379796348.

ClinVar aggregate classification (germline): Likely pathogenic (1 of 4 stars; one submission).

Submission:

Labcorp Genetics (formerly Invitae), Labcorp
Classification: Likely pathogenic. Last evaluated: 2024-01-28. Review status: criteria provided, single submitter. Criteria: Invitae Variant Classification Sherloc (09022015). Collection method: clinical testing. Allele origin: germline.
Comment: This sequence change affects a donor splice site in intron 29 of the ABCC8 gene. It is expected to disrupt RNA splicing. Variants that disrupt the donor or acceptor splice site typically lead to a loss of protein function (PMID: 16199547), and loss-of-function variants in ABCC8 are known to be pathogenic (PMID: 20685672, 23345197). This variant is not present in population databases (gnomAD no frequency). This variant has not been reported in the literature in individuals affected with ABCC8-related conditions. Algorithms developed to predict the effect of sequence changes on RNA splicing suggest that this variant may disrupt the consensus splice site. In summary, the currently available evidence indicates that the variant is pathogenic, but additional data are needed to prove that conclusively. Therefore, this variant has been classified as Likely Pathogenic.

Literature cited by the submitters: PubMed 16199547; PubMed 20685672; PubMed 23345197.